The following is an entry in ClinVar:

ClinVar aggregate classification (germline): Uncertain significance. Review status: criteria provided, multiple submitters, no conflicts (2 of 4 stars). 2 submissions from 2 submitters: Uncertain significance (2). Last evaluated 2025-11-20.

Conditions:
Hereditary pancreatitis (PCTT). Also called: PRSS1-Related Hereditary Pancreatitis; Hereditary chronic pancreatitis. Identifiers: Orphanet 676, MedGen C0238339, MONDO:0008185, OMIM 167800.

Allele frequency attached by ClinVar (database versions not stated): gnomAD exomes 0.00001; ExAC 0.00002; gnomAD 0.00002; TOPMed 0.00003; ESP Exome Variant Server 0.00008.
gnomAD v4.1: 13 of 1,614,012 alleles (0.00081%); highest among the groups gnomAD compares: African/African-American, 0.0053%; no homozygotes.

Submissions (2):

Ambry Genetics
Classification: Uncertain significance for Hereditary pancreatitis. Last evaluated: 2025-11-20. Review status: criteria provided, single submitter. Criteria: Ambry Variant Classification Scheme 2023. Collection method: clinical testing. Allele origin: germline.
Comment: The p.M200V variant (also known as c.598A>G), located in coding exon 6 of the CTRC gene, results from an A to G substitution at nucleotide position 598. The methionine at codon 200 is replaced by valine, an amino acid with highly similar properties. This alteration has been identified in an individual diagnosed with pancreatitis (Masson E et al. Hum Genet, 2008 Feb;123:83-91). This amino acid position is highly conserved in available vertebrate species. In addition, the in silico prediction for this alteration is inconclusive. Based on the available evidence, the clinical significance of this variant remains unclear.

Labcorp Genetics (formerly Invitae), Labcorp
Classification: Uncertain significance for Hereditary pancreatitis. Last evaluated: 2021-12-29. Review status: criteria provided, single submitter. Criteria: Invitae Variant Classification Sherloc (09022015). Collection method: clinical testing. Allele origin: germline.
Comment: Experimental studies have shown that this missense change does not substantially affect CTRC function (PMID: 22942235). Advanced modeling of protein sequence and biophysical properties (such as structural, functional, and spatial information, amino acid conservation, physicochemical variation, residue mobility, and thermodynamic stability) performed at Invitae indicates that this missense variant is expected to disrupt CTRC protein function. This missense change has been observed in individual(s) with pancreatitis (PMID: 18172691). This variant is present in population databases (rs146235499, gnomAD 0.008%). This sequence change replaces methionine, which is neutral and non-polar, with valine, which is neutral and non-polar, at codon 200 of the CTRC protein (p.Met200Val). In summary, the available evidence is currently insufficient to determine the role of this variant in disease. Therefore, it has been classified as a Variant of Uncertain Significance.

Literature cited by the submitters: PubMed 18172691 (cited by Ambry Genetics and Labcorp Genetics (formerly Invitae), Labcorp); PubMed 22942235 (cited by Labcorp Genetics (formerly Invitae), Labcorp).

NM_007272.3(CTRC):c.598A>G (p.Met200Val)

Gene: CTRC (chymotrypsin C; plus strand). Cytogenetic location: 1p36.21.
Variant type: single nucleotide variant.
Coding change: c.598A>G on transcript NM_007272.3 (MANE Select); coding-DNA position 598, A replaced by G.
Protein change: p.Met200Val; replaces methionine 200 with valine.
Molecular consequence: missense variant.
Genome position (GRCh38, 1-based): chr1:15,444,710, A>G. VCF-style: chr1-15444710-A-G. GRCh37 (hg19) VCF-style: chr1-15771205-A-G.
Other names: c.598A>G (NM_007272.2); short protein forms M200V.
Identifiers: ClinVar variation 2067971 (VCV002067971.7), dbSNP rs146235499, ClinGen allele CA613392.